The following is an entry in ClinVar:

NM_007186.6(CEP250):c.1716+83A>G

Genes: CEP250 (centrosomal protein 250; plus strand), CEP250-AS1 (CEP250 antisense RNA 1; minus strand). Cytogenetic location: 20q11.22.
Variant type: single nucleotide variant.
Coding change: c.1716+83A>G on transcript NM_007186.6 (MANE Select); 83 bases into the intron after coding-DNA position 1716, A replaced by G.
Molecular consequence: intron variant. On other transcripts: non-coding transcript variant (7).
Genome position (GRCh38, 1-based): chr20:35,475,729, A>G. VCF-style: chr20-35475729-A-G. GRCh37 (hg19) VCF-style: chr20-34063554-A-G.
Other names: c.-184+83A>G (NM_001318219.1).
Identifiers: ClinVar variation 4886171 (VCV004886171.2).
Genomic context (GRCh38, chr20:35,475,729, plus strand): 5'-TTGCTGGGTGGGCGGCTTCGAAAGTGTGTTCCCATGCAGCCTGCCTCATTCTTCACCTTC[A>G]AGCCAGGATCCCTCATCTTTCCTCAATCATTAGTCTGCTTCTGGGTTCTCTATTCCAACA-3'

ClinVar aggregate classification (germline): Uncertain significance (1 of 4 stars; one submission).

Submission:

Dasa
Classification: Uncertain significance. Last evaluated: 2026-04-10. Review status: criteria provided, single submitter. Criteria: DASA Assertion Criteria. Collection method: clinical testing. Allele origin: germline.
Comment: NM_007186.6(CEP250):c.1716+83A>G is an intronic variant. This variant is absent from population databases. The currently available literature and clinical evidence are not sufficient to establish a definitive association between this variant and the reported condition. Therefore, this variant is classified as a variant of uncertain significance.